The following is an entry in ClinVar:

ClinVar aggregate classification (germline): Uncertain significance (1 of 4 stars; one submission).

Allele frequency attached by ClinVar (database versions not stated): gnomAD exomes 0.00001.
gnomAD v4.1: 8 of 1,613,442 alleles (0.0005%); highest among the groups gnomAD compares: Non-Finnish European, 0.00068%; no homozygotes.

Submission:

Ambry Genetics
Classification: Uncertain significance. Last evaluated: 2024-10-06. Review status: criteria provided, single submitter. Criteria: Ambry Variant Classification Scheme 2023. Collection method: clinical testing. Allele origin: germline.
Comment: The p.I1126M variant (also known as c.3378A>G), located in coding exon 16 of the POLQ gene, results from an A to G substitution at nucleotide position 3378. The isoleucine at codon 1126 is replaced by methionine, an amino acid with highly similar properties. This amino acid position is conserved. In addition, this alteration is predicted to be tolerated by in silico analysis. Since supporting evidence is limited at this time, the clinical significance of this alteration remains unclear.

NM_199420.4(POLQ):c.3378A>G (p.Ile1126Met)

Gene: POLQ (DNA polymerase theta; minus strand). Cytogenetic location: 3q13.33.
Variant type: single nucleotide variant.
Coding change: c.3378A>G on transcript NM_199420.4 (MANE Select); coding-DNA position 3378, A replaced by G.
Protein change: p.Ile1126Met; replaces isoleucine 1126 with methionine.
Molecular consequence: missense variant.
Genome position (GRCh38, 1-based): chr3:121,489,553, T>C on the plus strand (A>G on the coding strand, the complement: POLQ is on the minus strand). VCF-style: chr3-121489553-T-C. GRCh37 (hg19) VCF-style: chr3-121208400-T-C.
Other names: short protein forms I1126M.
Identifiers: ClinVar variation 1730780 (VCV001730780.3), dbSNP rs2546787455, ClinGen allele CA354100371.